The following is an entry in ClinVar:

NM_001040616.3(LINS1):c.304del (p.Arg102fs)

Gene: LINS1 (lines homolog 1; minus strand). Cytogenetic location: 15q26.3.
Variant type: Deletion.
Coding change: c.304del on transcript NM_001040616.3 (MANE Select); coding-DNA position 304, one base deleted (C; older notation c.304delC).
Protein change: p.Arg102fs; shifts the reading frame from arginine 102.
Molecular consequence: frameshift variant. On other transcripts: 5 prime UTR variant (1), non-coding transcript variant (3).
Genome position (GRCh38, 1-based): chr15:100,580,539, G deleted on the plus strand (C on the coding strand, the reverse complement: LINS1 is on the minus strand); the first of 3 consecutive G bases (chr15:100,580,539-100,580,541); deleting any one gives the same sequence. VCF-style (leftmost placement, unchanged base first): chr15-100580538-CG-C. GRCh37 (hg19) VCF-style: chr15-101120743-CG-C.
Other names: c.304delC (NM_001040616.2); c.304del (NM_001040616.2); c.-606del (NM_001352507.2); c.304del, p.Arg102fs (NM_001352508.2); short protein forms R102fs.
Identifiers: ClinVar variation 598240 (VCV000598240.8), dbSNP rs760477654, ClinGen allele CA7759727.

ClinVar aggregate classification (germline): Conflicting classifications of pathogenicity. Review status: criteria provided, conflicting classifications (1 of 4 stars). 3 submissions from 3 submitters: Pathogenic (2); Uncertain significance (1). Last evaluated 2025-11-29.

Conditions:
Intellectual developmental disorder, autosomal recessive 27. Also called: Intellectual disability, autosomal recessive 27; Mental retardation, autosomal recessive 27. Identifiers: Orphanet 88616, MedGen C3280538, MONDO:0013702, OMIM 614340.

Submissions (3):

GeneDx
Classification: Pathogenic. Last evaluated: 2025-11-29. Review status: criteria provided, single submitter. Criteria: GeneDx Variant Classification Process June 2021. Collection method: clinical testing. Allele origin: germline.
Comment: Frameshift variant predicted to result in protein truncation or nonsense mediated decay in a gene for which loss of function is a known mechanism of disease; Not observed at significant frequency in large population cohorts (gnomAD); Has not been previously published as pathogenic or benign to our knowledge

Victorian Clinical Genetics Services, Murdoch Childrens Research Institute
Classification: Pathogenic for Intellectual developmental disorder, autosomal recessive 27. Last evaluated: 2020-05-26. Review status: criteria provided, single submitter. Criteria: ACMG Guidelines, 2015. Collection method: clinical testing. Allele origin: germline. Inheritance: Autosomal recessive inheritance.
Comment: Based on the classification scheme VCGS_Germline_v1.1.1, this variant is classified as pathogenic. Following criteria are met: 0102 - Loss-of-function is a known mechanism of disease for this gene. (N) 0106 - This gene is known to be associated with autosomal recessive disease. (N) 0201 - Variant is predicted to cause nonsense-mediated decay (NMD) and loss of protein (exon 2 of 7). (P) 0251 - Variant is heterozygous. (N) 0304 - Variant is present in gnomAD <0.01 for a recessive condition (3 heterozygotes, 0 homozygotes). (P) 0702 - Comparable variants also predicted to result in an NMD predicted variant, have strong previous evidence for pathogenicity (ClinVar, Decipher). (P) 0804 - Variant has previously been described as a variant of uncertain significance but with no supporting evidence (ClinVar). (N) 0905 - No segregation evidence has been identified for this variant. (N) 1007 - No published functional evidence has been identified for this variant. (N) Legend: (P) - Pathogenic, (N) - Neutral, (B) - Benign

Eurofins Ntd Llc (ga)
Classification: Uncertain significance. Last evaluated: 2018-08-02. Review status: criteria provided, single submitter. Criteria: EGL ClinVar v180209 classification definitions. Collection method: clinical testing. Allele origin: germline. Observed: 1 variant allele, 1 heterozygote.